The following is an entry in ClinVar:

NM_012431.3(SEMA3E):c.2159G>C (p.Ser720Thr)

Gene: SEMA3E (semaphorin 3E; minus strand). Cytogenetic location: 7q21.11.
Variant type: single nucleotide variant.
Coding change: c.2159G>C on transcript NM_012431.3 (MANE Select); coding-DNA position 2159, G replaced by C.
Protein change: p.Ser720Thr; replaces serine 720 with threonine.
Molecular consequence: missense variant.
Genome position (GRCh38, 1-based): chr7:83,367,755, C>G on the plus strand (G>C on the coding strand, the complement: SEMA3E is on the minus strand). VCF-style: chr7-83367755-C-G. GRCh37 (hg19) VCF-style: chr7-82997071-C-G.
Other names: c.2159G>C (NM_012431.2); c.1979G>C, p.Ser660Thr (NM_001178129.2); short protein forms S720T, S660T.
Identifiers: ClinVar variation 1433236 (VCV001433236.10), dbSNP rs372156795, ClinGen allele CA4321815.

ClinVar aggregate classification (germline): Uncertain significance. Review status: criteria provided, multiple submitters, no conflicts (2 of 4 stars). 3 submissions from 3 submitters: Uncertain significance (3). Last evaluated 2024-03-08.

Conditions:
Hypogonadotropic hypogonadism 7 with or without anosmia (HH7). Also called: GNRHR-Related GnRH Deficiency; HYPOGONADOTROPIC HYPOGONADISM 7 WITHOUT ANOSMIA. Identifiers: Orphanet 432, MedGen C0342384, MONDO:0007794, OMIM 146110.
CHARGE syndrome (CHARGE). Also called: Coloboma, heart anomaly, choanal atresia, retardation, genital and ear anomalies; CHARGE association; Hall-Hittner syndrome; Hittner Hirsch Kreh syndrome; CHARGE ASSOCIATION--COLOBOMA, HEART ANOMALY, CHOANAL ATRESIA, RETARDATION, GENITAL AND EAR ANOMALIES. Identifiers: Orphanet 138, MedGen C0265354, MONDO:0008965.

Allele frequency attached by ClinVar (database versions not stated): gnomAD exomes below 0.00001; TOPMed below 0.00001; ExAC 0.00001; ESP Exome Variant Server 0.00008.

Submissions (3):

Ambry Genetics
Classification: Uncertain significance. Last evaluated: 2024-03-08. Review status: criteria provided, single submitter. Criteria: Ambry Variant Classification Scheme 2023. Collection method: clinical testing. Allele origin: germline.

Fulgent Genetics
Classification: Uncertain significance for Hypogonadotropic hypogonadism 7 with or without anosmia; CHD7-related CHARGE syndrome. Last evaluated: 2021-11-22. Review status: criteria provided, single submitter. Criteria: ACMG Guidelines, 2015. Collection method: clinical testing. Allele origin: unknown.

Labcorp Genetics (formerly Invitae), Labcorp
Classification: Uncertain significance for CHARGE syndrome. Last evaluated: 2021-06-28. Review status: criteria provided, single submitter. Criteria: Invitae Variant Classification Sherloc (09022015). Collection method: clinical testing. Allele origin: germline.
Comment: In summary, the available evidence is currently insufficient to determine the role of this variant in disease. Therefore, it has been classified as a Variant of Uncertain Significance. Algorithms developed to predict the effect of missense changes on protein structure and function are either unavailable or do not agree on the potential impact of this missense change (SIFT: "Deleterious"; PolyPhen-2: "Benign"; Align-GVGD: "Class C0"). This variant has not been reported in the literature in individuals affected with SEMA3E-related conditions. This sequence change replaces serine with threonine at codon 720 of the SEMA3E protein (p.Ser720Thr). The serine residue is moderately conserved and there is a small physicochemical difference between serine and threonine. This variant is present in population databases (rs372156795, ExAC 0.01%).